The following is an entry in ClinVar:

NM_013275.6(ANKRD11):c.3454A>G (p.Lys1152Glu)

Gene: ANKRD11 (ankyrin repeat domain 11; minus strand). Cytogenetic location: 16q24.3.
Variant type: single nucleotide variant.
Coding change: c.3454A>G on transcript NM_013275.6 (MANE Select); coding-DNA position 3454, A replaced by G.
Protein change: p.Lys1152Glu; replaces lysine 1152 with glutamic acid.
Molecular consequence: missense variant.
Genome position (GRCh38, 1-based): chr16:89,283,088, T>C on the plus strand (A>G on the coding strand, the complement: ANKRD11 is on the minus strand). VCF-style: chr16-89283088-T-C. GRCh37 (hg19) VCF-style: chr16-89349496-T-C.
Other names: c.3454A>G, p.Lys1152Glu (NM_001256182.2, NM_001256183.2); short protein forms K1152E.
Identifiers: ClinVar variation 1031767 (VCV001031767.2), dbSNP rs764756309, ClinGen allele CA8242354.

ClinVar aggregate classification (germline): Uncertain significance. Review status: criteria provided, multiple submitters, no conflicts (2 of 4 stars). 2 submissions from 2 submitters: Uncertain significance (2). Last evaluated 2025-06-18.

Conditions:
KBG syndrome (KBGS). Also called: ANKRD11-Related KBG Syndrome. Identifiers: Orphanet 2332, MedGen C0220687, MONDO:0007846, OMIM 148050.

Allele frequency attached by ClinVar (database versions not stated): gnomAD 0.00001; gnomAD exomes 0.00001 and 0.00002; ExAC 0.00002; TOPMed 0.00002.
gnomAD v4.1: 30 of 1,613,840 alleles (0.0019%); highest among the groups gnomAD compares: Non-Finnish European, 0.0023%; no homozygotes.

Submissions (2):

Labcorp Genetics (formerly Invitae), Labcorp
Classification: Uncertain significance for KBG syndrome. Last evaluated: 2025-06-18. Review status: criteria provided, single submitter. Criteria: Invitae Variant Classification Sherloc (09022015). Collection method: clinical testing. Allele origin: germline.
Comment: This sequence change replaces lysine, which is basic and polar, with glutamic acid, which is acidic and polar, at codon 1152 of the ANKRD11 protein (p.Lys1152Glu). This variant is present in population databases (rs764756309, gnomAD 0.007%). This variant has not been reported in the literature in individuals affected with ANKRD11-related conditions. ClinVar contains an entry for this variant (Variation ID: 1031767). Invitae Evidence Modeling of protein sequence and biophysical properties (such as structural, functional, and spatial information, amino acid conservation, physicochemical variation, residue mobility, and thermodynamic stability) indicates that this missense variant is not expected to disrupt ANKRD11 protein function with a negative predictive value of 95%. In summary, the available evidence is currently insufficient to determine the role of this variant in disease. Therefore, it has been classified as a Variant of Uncertain Significance.

Baylor Genetics
Classification: Uncertain significance for KBG syndrome. Last evaluated: 2018-04-03. Review status: criteria provided, single submitter. Criteria: ACMG Guidelines, 2015. Collection method: clinical testing. Allele origin: paternal. Affected: yes.
Comment: This variant was determined to be of uncertain significance according to ACMG Guidelines, 2015 [PMID:25741868].